The following is an entry in ClinVar:

NM_153240.5(NPHP3):c.2166C>T (p.Ile722=)

Genes: NPHP3 (nephrocystin 3; minus strand), NPHP3-ACAD11 (NPHP3-ACAD11 readthrough (NMD candidate); minus strand). Cytogenetic location: 3q22.1.
Variant type: single nucleotide variant.
Coding change: c.2166C>T on transcript NM_153240.5 (MANE Select); coding-DNA position 2166, C replaced by T.
Protein change: p.Ile722=; no amino-acid change (isoleucine 722 retained).
Molecular consequence: synonymous variant. On other transcripts: non-coding transcript variant (1).
Genome position (GRCh38, 1-based): chr3:132,696,736, G>A on the plus strand (C>T on the coding strand, the complement: NPHP3 is on the minus strand). VCF-style: chr3-132696736-G-A. GRCh37 (hg19) VCF-style: chr3-132415580-G-A.
Other names: c.2166C>T (NM_153240.4).
Identifiers: ClinVar variation 1097266 (VCV001097266.11), dbSNP rs368406864, ClinGen allele CA2622102.

ClinVar aggregate classification (germline): Likely benign. Review status: criteria provided, single submitter (1 of 4 stars). 2 submissions from 2 submitters: Likely benign (1). 1 of the submissions does not count toward it. Last evaluated 2024-07-19.

Conditions:
NPHP3-related disorder. Also called: NPHP3-related disorders; NPHP3-related condition. Identifiers: MedGen CN379163.
Nephronophthisis. Also called: Juvenile Nephronophthisis. Identifiers: Orphanet 655, MedGen C0687120, MONDO:0019005, HP:0000090.

Allele frequency attached by ClinVar (database versions not stated): ExAC 0.00002; gnomAD exomes 0.00003; TOPMed 0.00003; gnomAD 0.00005 and 0.00006; ESP Exome Variant Server 0.00008.
gnomAD v4.1: 41 of 1,613,756 alleles (0.0025%); highest among the groups gnomAD compares: East Asian, 0.0067%; no homozygotes.

Submissions (2):

Labcorp Genetics (formerly Invitae), Labcorp
Classification: Likely benign for Nephronophthisis. Last evaluated: 2024-07-19. Review status: criteria provided, single submitter. Criteria: Invitae Variant Classification Sherloc (09022015). Collection method: clinical testing. Allele origin: germline.

PreventionGenetics, part of Exact Sciences
Classification: Likely benign for NPHP3-related condition. Last evaluated: 2021-04-14. Review status: no assertion criteria provided. Collection method: clinical testing. Allele origin: germline. Not counted in ClinVar's aggregate classification.
Comment: This variant is classified as likely benign based on ACMG/AMP sequence variant interpretation guidelines (Richards et al. 2015 PMID: 25741868, with internal and published modifications).